The following is an entry in ClinVar:

ClinVar aggregate classification (germline): Benign/Likely benign. Review status: criteria provided, multiple submitters, no conflicts (2 of 4 stars). 4 submissions from 4 submitters: Benign (1); Likely benign (3). Last evaluated 2025-12-14.

Conditions:
Hereditary cancer-predisposing syndrome. Also called: Neoplastic Syndromes, Hereditary; Tumor predisposition; Hereditary neoplastic syndrome; Hereditary Cancer Syndrome. Identifiers: Orphanet 140162, MedGen C0027672, MeSH D009386, MONDO:0015356.
EGFR-related lung cancer (EGFR). Identifiers: MedGen CN130014.
Lung cancer. Also called: Malignant tumor of lung; Lung cancer, somatic. Identifiers: MedGen C0242379, MONDO:0008903, OMIM 211980.

Allele frequency attached by ClinVar (database versions not stated): gnomAD exomes below 0.00001.
gnomAD v4.1: 1 of 1,614,226 alleles (0.000062%); highest among the groups gnomAD compares: Non-Finnish European, 0.000085%; no homozygotes.

Submissions (4):

Labcorp Genetics (formerly Invitae), Labcorp
Classification: Likely benign for EGFR-related lung cancer. Last evaluated: 2025-12-14. Review status: criteria provided, single submitter. Criteria: Invitae Variant Classification Sherloc (09022015). Collection method: clinical testing. Allele origin: germline.

CeGaT Center for Human Genetics Tuebingen
Classification: Likely benign. Last evaluated: 2025-08-01. Review status: criteria provided, single submitter. Criteria: CeGaT Center For Human Genetics Tuebingen Variant Classification Criteria Version 2. Collection method: clinical testing. Allele origin: germline. Affected: yes. Observed: 1 variant allele.
Comment: EGFR: BP4, BP7

Ambry Genetics
Classification: Likely benign for Hereditary cancer-predisposing syndrome. Last evaluated: 2025-06-13. Review status: criteria provided, single submitter. Criteria: Ambry Variant Classification Scheme 2023. Collection method: clinical testing. Allele origin: germline.

Myriad Genetics, Inc.
Classification: Benign for Lung cancer. Last evaluated: 2024-10-16. Review status: criteria provided, single submitter. Criteria: Myriad Autosomal Dominant, Autosomal Recessive and X-Linked Classification Criteria (2023). Collection method: clinical testing. Allele origin: unknown.
Comment: This variant is considered benign. This variant is a silent/synonymous amino acid change and it is not expected to impact splicing.

NM_005228.5(EGFR):c.2163T>C (p.Gly721=)

Gene: EGFR (epidermal growth factor receptor; plus strand). Cytogenetic location: 7p11.2.
Variant type: single nucleotide variant.
Coding change: c.2163T>C on transcript NM_005228.5 (MANE Select); coding-DNA position 2163, T replaced by C.
Protein change: p.Gly721=; no amino-acid change (glycine 721 retained).
Molecular consequence: synonymous variant.
Genome position (GRCh38, 1-based): chr7:55,174,022, T>C. VCF-style: chr7-55174022-T-C. GRCh37 (hg19) VCF-style: chr7-55241715-T-C.
Other names: c.2028T>C, p.Gly676= (NM_001346897.2, NM_001346899.2); c.2163T>C, p.Gly721= (NM_001346898.2); c.2004T>C, p.Gly668= (NM_001346900.2); c.1362T>C, p.Gly454= (NM_001346941.2); c.2163T>C (NM_005228.3).
Identifiers: ClinVar variation 1103253 (VCV001103253.19), dbSNP rs2128953746, ClinGen allele CA454979177.